The following is an entry in ClinVar:

NM_001378454.1(ALMS1):c.11177G>A (p.Gly3726Asp)

Gene: ALMS1 (ALMS1 centrosome and basal body associated protein; plus strand). Cytogenetic location: 2p13.1.
Variant type: single nucleotide variant.
Coding change: c.11177G>A on transcript NM_001378454.1 (MANE Select); coding-DNA position 11177, G replaced by A.
Protein change: p.Gly3726Asp; replaces glycine 3726 with aspartic acid.
Molecular consequence: missense variant.
Genome position (GRCh38, 1-based): chr2:73,573,054, G>A. VCF-style: chr2-73573054-G-A. GRCh37 (hg19) VCF-style: chr2-73800181-G-A.
Other names: c.11180G>A, p.Gly3727Asp (NM_015120.4); short protein forms G3726D, G3727D.
Identifiers: ClinVar variation 2140516 (VCV002140516.2), dbSNP rs751638998, ClinGen allele CA1715132.

ClinVar aggregate classification (germline): Uncertain significance (1 of 4 stars; one submission).

Conditions:
Alstrom syndrome (ALMS). Identifiers: Orphanet 64, MedGen C0268425, MONDO:0008763, OMIM 203800.

Allele frequency attached by ClinVar (database versions not stated): gnomAD exomes 0.00001; ExAC 0.00003.
gnomAD v4.1: 9 of 1,614,054 alleles (0.00056%); highest among the groups gnomAD compares: Admixed American, 0.013%; no homozygotes.

Submission:

Labcorp Genetics (formerly Invitae), Labcorp
Classification: Uncertain significance for Alstrom syndrome. Last evaluated: 2025-01-07. Review status: criteria provided, single submitter. Criteria: Invitae Variant Classification Sherloc (09022015). Collection method: clinical testing. Allele origin: germline.
Comment: This sequence change replaces glycine, which is neutral and non-polar, with aspartic acid, which is acidic and polar, at codon 3727 of the ALMS1 protein (p.Gly3727Asp). This variant is present in population databases (rs751638998, gnomAD 0.02%). This variant has not been reported in the literature in individuals affected with ALMS1-related conditions. ClinVar contains an entry for this variant (Variation ID: 2140516). Experimental studies and prediction algorithms are not available or were not evaluated, and the functional significance of this variant is currently unknown. In summary, the available evidence is currently insufficient to determine the role of this variant in disease. Therefore, it has been classified as a Variant of Uncertain Significance.